The following is an entry in ClinVar:

ClinVar aggregate classification (germline): Uncertain significance. Review status: criteria provided, multiple submitters, no conflicts (2 of 4 stars). 2 submissions from 2 submitters: Uncertain significance (2). Last evaluated 2024-10-22.

Conditions:
Progressive sclerosing poliodystrophy (MTDPS4A). Also called: Mitochondrial DNA Depletion Syndrome 4A; Alpers-Huttenlocher Syndrome (AHS); Alpers Syndrome; ALPERS DIFFUSE DEGENERATION OF CEREBRAL GRAY MATTER WITH HEPATIC CIRRHOSIS; Alpers-Huttenlocher Syndrome; Mitochondrial DNA depletion syndrome 4A (Alpers type). Identifiers: Orphanet 726, MedGen C0205710, MONDO:0008758, OMIM 203700.

Allele frequency attached by ClinVar (database versions not stated): gnomAD exomes below 0.00001; gnomAD 0.00001.
gnomAD v4.1: 4 of 1,599,316 alleles (0.00025%); highest among the groups gnomAD compares: Admixed American, 0.0017%; no homozygotes.

Submissions (2):

Labcorp Genetics (formerly Invitae), Labcorp
Classification: Uncertain significance for Progressive sclerosing poliodystrophy. Last evaluated: 2024-10-22. Review status: criteria provided, single submitter. Criteria: Invitae Variant Classification Sherloc (09022015). Collection method: clinical testing. Allele origin: germline.
Comment: This sequence change replaces proline, which is neutral and non-polar, with serine, which is neutral and polar, at codon 119 of the POLG protein (p.Pro119Ser). The frequency data for this variant in the population databases is considered unreliable, as metrics indicate poor data quality at this position in the gnomAD database. This variant has not been reported in the literature in individuals affected with POLG-related conditions. ClinVar contains an entry for this variant (Variation ID: 1305625). Invitae Evidence Modeling of protein sequence and biophysical properties (such as structural, functional, and spatial information, amino acid conservation, physicochemical variation, residue mobility, and thermodynamic stability) indicates that this missense variant is not expected to disrupt POLG protein function with a negative predictive value of 95%. In summary, the available evidence is currently insufficient to determine the role of this variant in disease. Therefore, it has been classified as a Variant of Uncertain Significance.

GeneDx
Classification: Uncertain significance. Last evaluated: 2019-05-09. Review status: criteria provided, single submitter. Criteria: GeneDx Variant Classification Process June 2021. Collection method: clinical testing. Allele origin: germline. Affected: yes.
Comment: Not observed at a significant frequency in large population cohorts (Lek et al., 2016); In silico analysis, which includes protein predictors and evolutionary conservation, supports that this variant does not alter protein structure/function; Has not been previously published as pathogenic or benign to our knowledge

NM_002693.3(POLG):c.355C>T (p.Pro119Ser)

Genes: POLG (DNA polymerase gamma, catalytic subunit; minus strand), POLGARF (POLG alternative reading frame; minus strand). Cytogenetic location: 15q26.1.
Variant type: single nucleotide variant.
Coding change: c.355C>T on transcript NM_002693.3 (MANE Select); coding-DNA position 355, C replaced by T.
Protein change: p.Pro119Ser; replaces proline 119 with serine.
Molecular consequence: missense variant.
Genome position (GRCh38, 1-based): chr15:89,333,400, G>A on the plus strand (C>T on the coding strand, the complement: POLG is on the minus strand). VCF-style: chr15-89333400-G-A. GRCh37 (hg19) VCF-style: chr15-89876631-G-A.
Other names: c.355C>T, p.Pro119Ser (NM_001126131.2); short protein forms P119S.
Identifiers: ClinVar variation 1305625 (VCV001305625.6), dbSNP rs1420577605, ClinGen allele CA393772404.